The following is an entry in ClinVar:

NM_003803.4(MYOM1):c.4718G>C (p.Arg1573Pro)

Gene: MYOM1 (myomesin 1; minus strand). Cytogenetic location: 18p11.31.
Variant type: single nucleotide variant.
Coding change: c.4718G>C on transcript NM_003803.4 (MANE Select); coding-DNA position 4718, G replaced by C.
Protein change: p.Arg1573Pro; replaces arginine 1573 with proline.
Molecular consequence: missense variant.
Genome position (GRCh38, 1-based): chr18:3,071,880, C>G on the plus strand (G>C on the coding strand, the complement: MYOM1 is on the minus strand). VCF-style: chr18-3071880-C-G. GRCh37 (hg19) VCF-style: chr18-3071878-C-G.
Other names: c.4430G>C, p.Arg1477Pro (NM_019856.2); c.4718G>C (NM_003803.3); short protein forms R1477P, R1573P.
Identifiers: ClinVar variation 1408130 (VCV001408130.9), dbSNP rs117342470, ClinGen allele CA401706446.

ClinVar aggregate classification (germline): Uncertain significance. Review status: criteria provided, multiple submitters, no conflicts (2 of 4 stars). 2 submissions from 2 submitters: Uncertain significance (2). Last evaluated 2025-05-26.

Conditions:
Hypertrophic cardiomyopathy. Also called: HYPERTROPHIC MYOCARDIOPATHY. Identifiers: Orphanet 217569, MedGen C0007194, MeSH D002312, MONDO:0005045, HP:0001639.

Submissions (2):

Ambry Genetics
Classification: Uncertain significance. Last evaluated: 2025-05-26. Review status: criteria provided, single submitter. Criteria: Ambry Variant Classification Scheme 2023. Collection method: clinical testing. Allele origin: germline.

Labcorp Genetics (formerly Invitae), Labcorp
Classification: Uncertain significance for Hypertrophic cardiomyopathy. Last evaluated: 2024-06-19. Review status: criteria provided, single submitter. Criteria: Invitae Variant Classification Sherloc (09022015). Collection method: clinical testing. Allele origin: germline.
Comment: This sequence change replaces arginine, which is basic and polar, with proline, which is neutral and non-polar, at codon 1573 of the MYOM1 protein (p.Arg1573Pro). This variant is present in population databases (no rsID available, gnomAD 0.007%). This variant has not been reported in the literature in individuals affected with MYOM1-related conditions. ClinVar contains an entry for this variant (Variation ID: 1408130). Advanced modeling of protein sequence and biophysical properties (such as structural, functional, and spatial information, amino acid conservation, physicochemical variation, residue mobility, and thermodynamic stability) has been performed at Invitae for this missense variant, however the output from this modeling did not meet the statistical confidence thresholds required to predict the impact of this variant on MYOM1 protein function. In summary, the available evidence is currently insufficient to determine the role of this variant in disease. Therefore, it has been classified as a Variant of Uncertain Significance.